The following is an entry in ClinVar:

NM_001379081.2(FREM1):c.6139-2A>C

Gene: FREM1 (FRAS1 related extracellular matrix 1; minus strand). Cytogenetic location: 9p22.3.
Variant type: single nucleotide variant.
Coding change: c.6139-2A>C on transcript NM_001379081.2 (MANE Select); the canonical splice acceptor site of the intron before coding-DNA position 6139, A replaced by C.
Molecular consequence: splice acceptor variant. On other transcripts: intron variant (1).
Genome position (GRCh38, 1-based): chr9:14,746,470, T>G on the plus strand (A>C on the coding strand, the complement: FREM1 is on the minus strand). VCF-style: chr9-14746470-T-G. GRCh37 (hg19) VCF-style: chr9-14746468-T-G.
Other names: c.6139-2A>C (NM_144966.5, NM_144966.7); c.1747-2A>C (NM_001370061.2, NM_001177704.3); c.1596+453A>C (NM_001370058.2).
Identifiers: ClinVar variation 3596967 (VCV003596967.2).

ClinVar aggregate classification (germline): Likely pathogenic. Review status: criteria provided, multiple submitters, no conflicts (2 of 4 stars). 2 submissions from 2 submitters: Likely pathogenic (2). Last evaluated 2025-08-10.

Conditions:
BNAR syndrome. Also called: Bifid Nose With or Without Anorectal and Renal Anomalies (BNAR) Syndrome. Identifiers: Orphanet 217266, MedGen C2750433, MONDO:0012165, OMIM 608980.
Oculotrichoanal syndrome (MOTA). Also called: MARLES SYNDROME; Manitoba Oculotrichoanal (MOTA) Syndrome. Identifiers: Orphanet 2717, MedGen C1855425, MONDO:0009560, OMIM 248450.
Trigonocephaly 2 (TRIGNO2). Identifiers: Orphanet 3366, MedGen C3280974, MONDO:0013774, OMIM 614485.

gnomAD v4.1: 14 of 1,607,432 alleles (0.00087%); highest among the groups gnomAD compares: Admixed American, 0.023%; no homozygotes.

Submissions (2):

Labcorp Genetics (formerly Invitae), Labcorp
Classification: Likely pathogenic. Last evaluated: 2025-08-10. Review status: criteria provided, single submitter. Criteria: Invitae Variant Classification Sherloc (09022015). Collection method: clinical testing. Allele origin: germline.
Comment: This sequence change affects an acceptor splice site in intron 35 of the FREM1 gene. It is expected to disrupt RNA splicing. Variants that disrupt the donor or acceptor splice site typically lead to a loss of protein function (PMID: 16199547), and loss-of-function variants in FREM1 are known to be pathogenic (PMID: 19732862, 21507892). This variant is present in population databases (rs200778244, gnomAD 0.03%). This variant has not been reported in the literature in individuals affected with FREM1-related conditions. ClinVar contains an entry for this variant (Variation ID: 3596967). Algorithms developed to predict the effect of sequence changes on RNA splicing suggest that this variant may disrupt the consensus splice site. In summary, the currently available evidence indicates that the variant is pathogenic, but additional data are needed to prove that conclusively. Therefore, this variant has been classified as Likely Pathogenic.

Fulgent Genetics
Classification: Likely pathogenic for Oculotrichoanal syndrome; BNAR syndrome; Trigonocephaly 2. Last evaluated: 2024-04-10. Review status: criteria provided, single submitter. Criteria: ACMG Guidelines, 2015. Collection method: clinical testing. Allele origin: germline.

Literature cited by the submitters: PubMed 16199547 (cited by Labcorp Genetics (formerly Invitae), Labcorp); PubMed 19732862 (cited by Labcorp Genetics (formerly Invitae), Labcorp); PubMed 21507892 (cited by Labcorp Genetics (formerly Invitae), Labcorp).